The following is an entry in ClinVar:

NM_000169.3(GLA):c.477del (p.Phe159fs)

Genes: GLA (galactosidase alpha; minus strand), RPL36A-HNRNPH2 (RPL36A-HNRNPH2 readthrough; plus strand). Cytogenetic location: Xq22.1.
Variant type: Deletion.
Coding change: c.477del on transcript NM_000169.3 (MANE Select); coding-DNA position 477, one base deleted (T; older notation c.477delT).
Protein change: p.Phe159fs; shifts the reading frame from phenylalanine 159.
Molecular consequence: frameshift variant. On other transcripts: non-coding transcript variant (3), intron variant (2).
Genome position (GRCh38, 1-based): chrX:101,401,702, A deleted on the plus strand (T on the coding strand, the reverse complement: GLA is on the minus strand); the first of 3 consecutive A bases (chrX:101,401,702-101,401,704); deleting any one gives the same sequence. VCF-style (leftmost placement, unchanged base first): chrX-101401701-CA-C. GRCh37 (hg19) VCF-style: chrX-100656689-CA-C.
Other names: c.600del, p.Phe200fs (NM_001406747.1, NM_001406749.1); c.477del, p.Phe159fs (NM_001406748.1); c.300+6247del (NM_001199973.2); c.177+9882del (NM_001199974.2); short protein forms F159fs, F200fs.
Identifiers: ClinVar variation 4086967 (VCV004086967.2).

ClinVar aggregate classification (germline): Pathogenic (1 of 4 stars; one submission).

Conditions:
Fabry disease. Also called: ALPHA-GALACTOSIDASE A DEFICIENCY; ANDERSON-FABRY DISEASE; CERAMIDE TRIHEXOSIDASE DEFICIENCY; GLA DEFICIENCY; HEREDITARY DYSTOPIC LIPIDOSIS; Angiokeratoma corporis diffusum. Identifiers: Orphanet 324, MedGen C0002986, MONDO:0010526, OMIM 301500, HP:0001071. Disease mechanism: Fabry disease is due to inactivating mutations in the X-linked GLA gene resulting in deficiency of the enzyme Alpha Galactosidase-A., loss of function.

Submission:

Genomenon, Inc
Classification: Pathogenic for Fabry disease. Last evaluated: 2026-09-08. Review status: criteria provided, single submitter. Criteria: Genomenon Sequence Variant Interpretation Standards - Updated. Collection method: curation. Allele origin: germline. Affected: yes.
Comment: GLA p.Phe159LeufsTer6 (c.477del) is a frameshift variant that is predicted to introduce a premature termination codon and result in a truncated or absent protein product. This variant has been observed in at least one proband with clinical features consistent with Fabry disease (PMID:18849176). Functional or patient cell studies have been reported (PMID:18849176). It is absent or not present at a significant frequency in gnomAD. In conclusion, we classify GLA p.Phe159LeufsTer6 (c.477del) as a pathogenic variant.

Literature cited by the submitters: PubMed 18849176.